The following is an entry in ClinVar:

ClinVar aggregate classification (germline): Uncertain significance (1 of 4 stars; one submission).

Conditions:
Birt-Hogg-Dube syndrome. Also called: Birt Hogg Dubé syndrome. Identifiers: Orphanet 122, MedGen C0346010, MONDO:0800444.

Allele frequency attached by ClinVar (database versions not stated): gnomAD exomes below 0.00001.
gnomAD v4.1: 4 of 1,614,168 alleles (0.00025%); highest among the groups gnomAD compares: Non-Finnish European, 0.00025%; no homozygotes.

Submission:

Labcorp Genetics (formerly Invitae), Labcorp
Classification: Uncertain significance for Birt-Hogg-Dube syndrome. Last evaluated: 2019-07-30. Review status: criteria provided, single submitter. Criteria: Invitae Variant Classification Sherloc (09022015). Collection method: clinical testing. Allele origin: germline.
Comment: This variant is not present in population databases (ExAC no frequency). This sequence change replaces serine with cysteine at codon 302 of the FLCN protein (p.Ser302Cys). The serine residue is moderately conserved and there is a moderate physicochemical difference between serine and cysteine. Algorithms developed to predict the effect of sequence changes on RNA splicing suggest that this variant may create or strengthen a splice site, but this prediction has not been confirmed by published transcriptional studies. Algorithms developed to predict the effect of missense changes on protein structure and function do not agree on the potential impact of this missense change (SIFT: "Deleterious"; PolyPhen-2: "Benign"; Align-GVGD: "Class C0"). In summary, the available evidence is currently insufficient to determine the role of this variant in disease. Therefore, it has been classified as a Variant of Uncertain Significance. This variant has not been reported in the literature in individuals with FLCN-related disease.

NM_144997.7(FLCN):c.905C>G (p.Ser302Cys)

Gene: FLCN (folliculin; minus strand). Cytogenetic location: 17p11.2.
Variant type: single nucleotide variant.
Coding change: c.905C>G on transcript NM_144997.7 (MANE Select); coding-DNA position 905, C replaced by G.
Protein change: p.Ser302Cys; replaces serine 302 with cysteine.
Molecular consequence: missense variant.
Genome position (GRCh38, 1-based): chr17:17,219,176, G>C on the plus strand (C>G on the coding strand, the complement: FLCN is on the minus strand). VCF-style: chr17-17219176-G-C. GRCh37 (hg19) VCF-style: chr17-17122490-G-C.
Other names: c.905C>G (LRG_325t1); c.959C>G, p.Ser320Cys (NM_001353229.2); c.905C>G, p.Ser302Cys (NM_001353230.2, NM_001353231.2); short protein forms S302C, S320C.
Identifiers: ClinVar variation 529990 (VCV000529990.8), dbSNP rs1555608636, ClinGen allele CA398533036.